The following is an entry in ClinVar:

NM_025114.4(CEP290):c.1992del (p.Pro665fs)

Gene: CEP290 (centrosomal protein 290; minus strand). Cytogenetic location: 12q21.32.
Variant type: Deletion.
Coding change: c.1992del on transcript NM_025114.4 (MANE Select); coding-DNA position 1992, one base deleted (T; older notation c.1992delT).
Protein change: p.Pro665fs; shifts the reading frame from proline 665.
Molecular consequence: frameshift variant.
Genome position (GRCh38, 1-based): chr12:88,114,480, A deleted on the plus strand (T on the coding strand, the reverse complement: CEP290 is on the minus strand). VCF-style (leftmost placement, unchanged base first): chr12-88114479-GA-G. GRCh37 (hg19) VCF-style: chr12-88508256-GA-G.
Other names: c.1992delT (NM_025114.3); short protein forms P665fs.
Identifiers: ClinVar variation 952801 (VCV000952801.14), dbSNP rs770175184, ClinGen allele CA6712425.

ClinVar aggregate classification (germline): Pathogenic/Likely pathogenic. Review status: criteria provided, multiple submitters, no conflicts (2 of 4 stars). 7 submissions from 7 submitters: Pathogenic (6); Likely pathogenic (1). Last evaluated 2026-03-26.

Conditions:
Bardet-Biedl syndrome 14 (BBS14). Identifiers: Orphanet 110, MedGen C2673874, MONDO:0014442, OMIM 615991.
Leber congenital amaurosis 10 (LCA10). Identifiers: Orphanet 65, MedGen C1857821, MONDO:0012723, OMIM 611755.
Joubert syndrome 5 (JBTS5). Identifiers: Orphanet 2318, MedGen C1857780, MONDO:0012432, OMIM 610188.
Senior-Loken syndrome 6 (SLSN6). Identifiers: Orphanet 3156, MedGen C1857779, MONDO:0012433, OMIM 610189.
Meckel syndrome, type 4 (MKS4). Also called: MECKEL-GRUBER SYNDROME, TYPE 4. Identifiers: Orphanet 564, MedGen C1970161, MONDO:0012626, OMIM 611134.
Leber congenital amaurosis (LCA). Also called: Leber's amaurosis. Identifiers: Orphanet 65, MedGen C0339527, MeSH D057130, MONDO:0018998.
Nephronophthisis. Also called: Juvenile Nephronophthisis. Identifiers: Orphanet 655, MedGen C0687120, MONDO:0019005, HP:0000090.
Meckel-Gruber syndrome. Also called: DYSENCEPHALIA SPLANCHNOCYSTICA; Dysencephalia splachnocystica; GRUBER SYNDROME. Identifiers: Orphanet 564, MedGen C0265215, MONDO:0018921.
Joubert syndrome. Also called: Familial aplasia of the vermis; JOUBERT-BOLTSHAUSER SYNDROME. Identifiers: Orphanet 475, MedGen C5979921, MONDO:0018772.
CEP290-related disorder. Also called: CEP290-related condition; CEP290-related disorders. Identifiers: MedGen CN239314.

Allele frequency attached by ClinVar (database versions not stated): gnomAD exomes 0.00001; ExAC below 0.00001.

Submissions (7):

PreventionGenetics, part of Exact Sciences
Classification: Pathogenic for CEP290-related condition. Last evaluated: 2026-03-26. Review status: criteria provided, single submitter. Criteria: ACMG Guidelines, 2015. Collection method: clinical testing. Allele origin: germline.
Comment: The CEP290 c.1992delT variant is predicted to result in a frameshift and premature protein termination (p.Pro665Leufs*10). This variant has been reported in individuals with CEP290-associated disorders (Perrault et al. 2007. PubMed ID: 17345604; Kucińska-Chahwan et al. 2022. PubMed ID: 35627109; Areblom et al. 2023. PubMed ID: 37510321). This variant has not been reported in a large population database, indicating this variant is rare. Frameshift variants in CEP290 are expected to be pathogenic. This variant is interpreted as pathogenic.

Natera, Inc.
Classification: Pathogenic for Leber congenital amaurosis. Last evaluated: 2024-10-19. Review status: criteria provided, single submitter. Criteria: Natera Variant Classification Schema (03/2026). Collection method: clinical testing. Allele origin: germline.
Comment: The c.1992del variant in CEP290 is a frameshift variant predicted to shift the reading frame beginning at codon 665 and leads to a stop codon 10 codons downstream. This variant is expected to result in nonsense mediated decay, truncation, or a dysfunctional protein product. This variant is rare in the general population with a frequency below the threshold expected for the associated phenotype(s). This variant has been observed in one or more individuals affected with the associated recessive disease, as either homozygous or compound heterozygous with a second variant (PMID: 17705300). Given the available evidence, this variant is classified as Pathogenic.

Fulgent Genetics
Classification: Pathogenic for Joubert syndrome 5; Senior-Loken syndrome 6; Meckel syndrome, type 4; Leber congenital amaurosis 10; Bardet-Biedl syndrome 14. Last evaluated: 2024-05-25. Review status: criteria provided, single submitter. Criteria: ACMG Guidelines, 2015. Collection method: clinical testing. Allele origin: germline.

Blueprint Genetics
Classification: Pathogenic for CEP290-related disorders. Last evaluated: 2024-05-16. Review status: criteria provided, single submitter. Criteria: ACMG Guidelines, 2015. Collection method: clinical testing. Allele origin: germline. Affected: yes. Observed: 5 variant alleles.

Baylor Genetics
Classification: Pathogenic for Bardet-Biedl syndrome 14. Last evaluated: 2023-07-22. Review status: criteria provided, single submitter. Criteria: ACMG Guidelines, 2015. Collection method: clinical testing. Allele origin: unknown.

Labcorp Genetics (formerly Invitae), Labcorp
Classification: Pathogenic for Joubert syndrome; Meckel-Gruber syndrome; Nephronophthisis. Last evaluated: 2022-10-19. Review status: criteria provided, single submitter. Criteria: Invitae Variant Classification Sherloc (09022015). Collection method: clinical testing. Allele origin: germline.
Comment: This sequence change creates a premature translational stop signal (p.Pro665Leufs*10) in the CEP290 gene. It is expected to result in an absent or disrupted protein product. Loss-of-function variants in CEP290 are known to be pathogenic (PMID: 16909394, 17345604, 20690115). This variant is not present in population databases (gnomAD no frequency). This premature translational stop signal has been observed in individual(s) with Leber congenital amaurosis (PMID: 17345604). ClinVar contains an entry for this variant (Variation ID: 952801). Algorithms developed to predict the effect of sequence changes on RNA splicing suggest that this variant may disrupt the consensus splice site. For these reasons, this variant has been classified as Pathogenic.

Clinical Genetics Laboratory, Skane University Hospital Lund
Classification: Likely pathogenic. Last evaluated: 2022-07-13. Review status: criteria provided, single submitter. Criteria: ACMG Guidelines, 2015. Collection method: clinical testing. Allele origin: germline. Affected: yes.

Literature cited by the submitters: PubMed 17705300 (cited by Natera, Inc.); PubMed 16909394 (cited by Labcorp Genetics (formerly Invitae), Labcorp); PubMed 17345604 (cited by Labcorp Genetics (formerly Invitae), Labcorp); PubMed 20690115 (cited by Labcorp Genetics (formerly Invitae), Labcorp).